The following is an entry in ClinVar:

NC_000002.11:g.(?_48018046)_(48032186_?)del

Gene: MSH6 (mutS homolog 6; plus strand). Cytogenetic location: 2p16.3.
Variant type: Deletion.
Identifiers: ClinVar variation 3247074 (VCV003247074.1).

ClinVar aggregate classification (germline): Pathogenic (1 of 4 stars; one submission).

Conditions:
Hereditary nonpolyposis colorectal neoplasms. Identifiers: MedGen C0009405, MeSH D003123.

Submission:

Labcorp Genetics (formerly Invitae), Labcorp
Classification: Pathogenic for Hereditary nonpolyposis colorectal neoplasms. Last evaluated: 2023-06-10. Review status: criteria provided, single submitter. Criteria: Invitae Variant Classification Sherloc (09022015). Collection method: clinical testing. Allele origin: unknown.
Comment: For these reasons, this variant has been classified as Pathogenic. A similar copy number variant has been observed in individual(s) with clinical features of Lynch syndrome (PMID: 20028993). This variant is a gross deletion of the genomic region encompassing exon(s) 2-6 of the MSH6 gene. This deletion is out-of-frame, and is expected to create a premature termination codon and result in an absent or disrupted protein product. Loss-of-function variants in MSH6 are known to be pathogenic (PMID: 18269114, 24362816).

Literature cited by the submitters: PubMed 20028993; PubMed 18269114; PubMed 24362816.